The following is an entry in ClinVar:

ClinVar aggregate classification (germline): Uncertain significance (1 of 4 stars; one submission).

Conditions:
Familial thoracic aortic aneurysm and aortic dissection (TAAD). Also called: Thoracic aortic aneurysms and dissections. Identifiers: Orphanet 91387, MedGen C4707243, MONDO:0019625.
Hereditary cancer-predisposing syndrome. Also called: Hereditary Cancer Syndrome; Hereditary neoplastic syndrome; Neoplastic Syndromes, Hereditary; Tumor predisposition. Identifiers: Orphanet 140162, MedGen C0027672, MeSH D009386, MONDO:0015356.

Submission:

Ambry Genetics
Classification: Uncertain significance for Hereditary cancer-predisposing syndrome; Familial thoracic aortic aneurysm and aortic dissection. Last evaluated: 2022-06-29. Review status: criteria provided, single submitter. Criteria: Ambry Variant Classification Scheme 2023. Collection method: clinical testing. Allele origin: germline.
Comment: The p.N188K variant (also known as c.564T>A), located in coding exon 4 of the SMAD4 gene, results from a T to A substitution at nucleotide position 564. The asparagine at codon 188 is replaced by lysine, an amino acid with similar properties. This amino acid position is well conserved in available vertebrate species. In addition, this alteration is predicted to be tolerated by in silico analysis. Since supporting evidence is limited at this time, the clinical significance of this alteration remains unclear.

NM_005359.6(SMAD4):c.564T>A (p.Asn188Lys)

Gene: SMAD4 (SMAD family member 4; plus strand). Cytogenetic location: 18q21.2.
Variant type: single nucleotide variant.
Coding change: c.564T>A on transcript NM_005359.6 (MANE Select); coding-DNA position 564, T replaced by A.
Protein change: p.Asn188Lys; replaces asparagine 188 with lysine.
Molecular consequence: missense variant.
Genome position (GRCh38, 1-based): chr18:51,054,890, T>A. VCF-style: chr18-51054890-T-A. GRCh37 (hg19) VCF-style: chr18-48581260-T-A.
Other names: c.564T>A, p.Asn188Lys (NM_001407041.1, NM_001407042.1, NM_001407043.1); short protein forms N188K.
Identifiers: ClinVar variation 1748864 (VCV001748864.2), dbSNP rs1909798588, ClinGen allele CA402460986.
Genomic context (GRCh38, chr18:51,054,890, plus strand): 5'-ACAGCCATCGTTGTCCACTGAAGGACATTCAATTCAAACCATCCAGCATCCACCAAGTAA[T>A]CGTGCATCGACAGAGACATACAGCACCCCAGCTCTGTTAGCCCCATCTGAGTCTAATGCT-3'
Protein context (NP_005350.1, residues 178-198): SIQTIQHPPS[Asn188Lys]RASTETYSTP